The following is an entry in ClinVar:

NM_000135.4(FANCA):c.2644C>T (p.Pro882Ser)

Genes: FANCA (FA complementation group A; minus strand), LOC130059837 (ATAC-STARR-seq lymphoblastoid active region 11420; plus strand). Cytogenetic location: 16q24.3.
Variant type: single nucleotide variant.
Coding change: c.2644C>T on transcript NM_000135.4 (MANE Select); coding-DNA position 2644, C replaced by T.
Protein change: p.Pro882Ser; replaces proline 882 with serine.
Molecular consequence: missense variant.
Genome position (GRCh38, 1-based): chr16:89,765,024, G>A on the plus strand (C>T on the coding strand, the complement: FANCA is on the minus strand). VCF-style: chr16-89765024-G-A. GRCh37 (hg19) VCF-style: chr16-89831432-G-A.
Other names: c.2644C>T (NM_000135.2); c.2644C>T, p.Pro882Ser (NM_001286167.3); short protein forms P882S.
Identifiers: ClinVar variation 1035752 (VCV001035752.10), dbSNP rs1938055960, ClinGen allele CA397438773.

ClinVar aggregate classification (germline): Uncertain significance. Review status: criteria provided, multiple submitters, no conflicts (2 of 4 stars). 2 submissions from 2 submitters: Uncertain significance (2). Last evaluated 2025-06-03.

Conditions:
Inborn genetic diseases. Identifiers: MedGen C0950123, MeSH D030342.
Fanconi anemia (FA). Also called: Fanconi's anemia. Identifiers: Orphanet 84, MedGen C0015625, MeSH D005199, MONDO:0019391.

Allele frequency attached by ClinVar (database versions not stated): TOPMed below 0.00001.
gnomAD v4.1: 1 of 1,614,232 alleles (0.000062%); highest among the groups gnomAD compares: Non-Finnish European, 0.000085%; no homozygotes.

Submissions (2):

Labcorp Genetics (formerly Invitae), Labcorp
Classification: Uncertain significance for Fanconi anemia. Last evaluated: 2025-06-03. Review status: criteria provided, single submitter. Criteria: Invitae Variant Classification Sherloc (09022015). Collection method: clinical testing. Allele origin: germline.
Comment: This sequence change replaces proline, which is neutral and non-polar, with serine, which is neutral and polar, at codon 882 of the FANCA protein (p.Pro882Ser). This variant is not present in population databases (gnomAD no frequency). This variant has not been reported in the literature in individuals affected with FANCA-related conditions. ClinVar contains an entry for this variant (Variation ID: 1035752). Invitae Evidence Modeling of protein sequence and biophysical properties (such as structural, functional, and spatial information, amino acid conservation, physicochemical variation, residue mobility, and thermodynamic stability) indicates that this missense variant is not expected to disrupt FANCA protein function with a negative predictive value of 95%. In summary, the available evidence is currently insufficient to determine the role of this variant in disease. Therefore, it has been classified as a Variant of Uncertain Significance.

Ambry Genetics
Classification: Uncertain significance for Inborn genetic diseases. Last evaluated: 2024-11-18. Review status: criteria provided, single submitter. Criteria: Ambry Variant Classification Scheme 2023. Collection method: clinical testing. Allele origin: germline.
Comment: The p.P882S variant (also known as c.2644C>T), located in coding exon 28 of the FANCA gene, results from a C to T substitution at nucleotide position 2644. The proline at codon 882 is replaced by serine, an amino acid with similar properties. This amino acid position is conserved. In addition, this alteration is predicted to be tolerated by in silico analysis. Based on the available evidence, the clinical significance of this variant remains unclear.